The following is an entry in ClinVar:

NM_000133.4(F9):c.122T>G (p.Leu41Arg)

Gene: F9 (coagulation factor IX; plus strand). Cytogenetic location: Xq27.1.
Variant type: single nucleotide variant.
Coding change: c.122T>G on transcript NM_000133.4 (MANE Select); coding-DNA position 122, T replaced by G.
Protein change: p.Leu41Arg; replaces leucine 41 with arginine.
Molecular consequence: missense variant.
Genome position (GRCh38, 1-based): chrX:139,537,043, T>G. VCF-style: chrX-139537043-T-G. GRCh37 (hg19) VCF-style: chrX-138619202-T-G.
Other names: c.122T>G, p.Leu41Arg (NM_001313913.2); short protein forms L41R.
Identifiers: ClinVar variation 834544 (VCV000834544.9), dbSNP rs371373268, ClinGen allele CA10529739.
Genomic context (GRCh38, chrX:139,537,043, plus strand): 5'-CTAAAGAATTATTCTTTTACATTTCAGTTTTTCTTGATCATGAAAACGCCAACAAAATTC[T>G]GAATCGGCCAAAGAGGTATAATTCAGGTAAATTGGAAGAGTTTGTTCAAGGGAACCTTGA-3'
Protein context (NP_000124.1, residues 31-51): FLDHENANKI[Leu41Arg]NRPKRYNSGK

ClinVar aggregate classification (germline): Uncertain significance. Review status: criteria provided, multiple submitters, no conflicts (2 of 4 stars). 3 submissions from 3 submitters: Uncertain significance (2). 1 of the submissions does not count toward it. Last evaluated 2025-08-01.

Conditions:
Hereditary factor IX deficiency disease (HEMB). Also called: F9 DEFICIENCY; FACTOR IX DEFICIENCY; PLASMA THROMBOPLASTIN COMPONENT DEFICIENCY; Christmas Disease; Hemophilia B. Identifiers: Orphanet 98879, MedGen C0008533, MeSH D002836, MONDO:0010604, OMIM 306900.
Thrombophilia, X-linked, due to factor 9 defect. Identifiers: MedGen C2749016, MONDO:0010432, OMIM 300807.

Allele frequency attached by ClinVar (database versions not stated): gnomAD exomes below 0.00001 and 0.00001; TOPMed below 0.00001; ExAC 0.00002; ESP Exome Variant Server 0.00009.
gnomAD v4.1: 3 of 1,209,537 alleles (0.00025%); highest among the groups gnomAD compares: African/African-American, 0.0052%; no homozygotes.

Submissions (3):

Myriad Genetics, Inc.
Classification: Uncertain significance for Hereditary factor IX deficiency disease. Last evaluated: 2025-08-01. Review status: criteria provided, single submitter. Criteria: Myriad Autosomal Dominant, Autosomal Recessive and X-Linked Classification Criteria (2023). Collection method: clinical testing. Allele origin: unknown.
Comment: NM_000133.3(F9):c.122T>G(L41R) is a missense variant classified as a variant of uncertain significance in the context of hemophilia B. L41R has been observed in a case with relevant disease (PMID: 29296726). Relevant functional assessments of this variant are not available in the literature. L41R has been observed in referenced population frequency databases. In summary, there is insufficient evidence to classify NM_000133.3(F9):c.122T>G(L41R) as pathogenic or benign. Please note: this variant was assessed in the context of healthy population screening.

Labcorp Genetics (formerly Invitae), Labcorp
Classification: Uncertain significance for Thrombophilia, X-linked, due to factor 9 defect; Hereditary factor IX deficiency disease. Last evaluated: 2021-09-01. Review status: criteria provided, single submitter. Criteria: Invitae Variant Classification Sherloc (09022015). Collection method: clinical testing. Allele origin: germline.
Comment: This sequence change replaces leucine with arginine at codon 41 of the F9 protein (p.Leu41Arg). The leucine residue is highly conserved and there is a moderate physicochemical difference between leucine and arginine. This variant is present in population databases (rs371373268, ExAC 0.03%). This variant has not been reported in the literature in individuals affected with F9-related conditions. Algorithms developed to predict the effect of missense changes on protein structure and function (SIFT, PolyPhen-2, Align-GVGD) all suggest that this variant is likely to be disruptive. In summary, the available evidence is currently insufficient to determine the role of this variant in disease. Therefore, it has been classified as a Variant of Uncertain Significance.

Natera, Inc.
Classification: Uncertain significance for Hemophilia B. Last evaluated: 2021-10-01. Review status: no assertion criteria provided. Collection method: clinical testing. Allele origin: germline. Not counted in ClinVar's aggregate classification.

Literature cited by the submitters: PubMed 29296726 (cited by Myriad Genetics, Inc.).